The following is an entry in ClinVar:

NM_020888.3(NHSL3):c.2313T>C (p.Pro771=)

Gene: NHSL3 (NHS like 3; plus strand). Cytogenetic location: 1p35.1.
Variant type: single nucleotide variant.
Coding change: c.2313T>C on transcript NM_020888.3 (MANE Select); coding-DNA position 2313, T replaced by C.
Protein change: p.Pro771=; no amino-acid change (proline 771 retained).
Molecular consequence: synonymous variant. On other transcripts: intron variant (1).
Genome position (GRCh38, 1-based): chr1:32,771,492, T>C. VCF-style: chr1-32771492-T-C. GRCh37 (hg19) VCF-style: chr1-33237093-T-C.
Other names: c.2136T>C, p.Pro712= (NM_001198972.2); c.2169T>C, p.Pro723= (NM_001369553.1); c.410-1373T>C (NM_001198973.2).
Identifiers: ClinVar variation 4084016 (VCV004084016.8).
Genomic context (GRCh38, chr1:32,771,492, plus strand): 5'-GGAGGCACCATCTGCCTCAGAGACTGCTGAGGAGCCCCTCCAAGATCCCAACTGGCCCCC[T>C]CCCCCACCCCCTGCCCCTGAGGAGCAGGACCTGTCCATGGCTGACTTCCCCCCACCAGAG-3'
Protein context (NP_065939.2, residues 761-781): EEPLQDPNWP[Pro771=]PPPPAPEEQD

ClinVar aggregate classification (germline): Likely benign (1 of 4 stars; one submission).

Submission:

CeGaT Center for Human Genetics Tuebingen
Classification: Likely benign. Last evaluated: 2025-06-01. Review status: criteria provided, single submitter. Criteria: CeGaT Center For Human Genetics Tuebingen Variant Classification Criteria Version 2. Collection method: clinical testing. Allele origin: germline. Affected: yes. Observed: 1 variant allele.
Comment: NHSL3: BP4, BP7